The following is an entry in ClinVar:

NM_006306.4(SMC1A):c.655G>T (p.Ala219Ser)

Gene: SMC1A (structural maintenance of chromosomes 1A; minus strand). Cytogenetic location: Xp11.22.
Variant type: single nucleotide variant.
Coding change: c.655G>T on transcript NM_006306.4 (MANE Select); coding-DNA position 655, G replaced by T.
Protein change: p.Ala219Ser; replaces alanine 219 with serine.
Molecular consequence: missense variant.
Genome position (GRCh38, 1-based): chrX:53,413,099, C>A on the plus strand (G>T on the coding strand, the complement: SMC1A is on the minus strand). VCF-style: chrX-53413099-C-A. GRCh37 (hg19) VCF-style: chrX-53440049-C-A.
Other names: c.589G>T, p.Ala197Ser (NM_001281463.1); short protein forms A197S, A219S.
Identifiers: ClinVar variation 4728691 (VCV004728691.1).

ClinVar aggregate classification (germline): Uncertain significance (1 of 4 stars; one submission).

Conditions:
Congenital muscular hypertrophy-cerebral syndrome (CDLS2). Also called: Cornelia de Lange syndrome 2; SMC1A-Related Cornelia de Lange Syndrome. Identifiers: Orphanet 199, MedGen C1802395, MONDO:0010370, OMIM 300590.

Submission:

Labcorp Genetics (formerly Invitae), Labcorp
Classification: Uncertain significance for Congenital muscular hypertrophy-cerebral syndrome. Last evaluated: 2026-01-28. Review status: criteria provided, single submitter. Criteria: Invitae Variant Classification Sherloc (09022015). Collection method: clinical testing. Allele origin: germline.
Comment: This sequence change replaces alanine, which is neutral and non-polar, with serine, which is neutral and polar, at codon 219 of the SMC1A protein (p.Ala219Ser). This variant is not present in population databases (gnomAD no frequency). This variant has not been reported in the literature in individuals affected with SMC1A-related conditions. Invitae Evidence Modeling of protein sequence and biophysical properties (such as structural, functional, and spatial information, amino acid conservation, physicochemical variation, residue mobility, and thermodynamic stability) indicates that this missense variant is not expected to disrupt SMC1A protein function with a negative predictive value of 80%. In summary, the available evidence is currently insufficient to determine the role of this variant in disease. Therefore, it has been classified as a Variant of Uncertain Significance.